The following is an entry in ClinVar:

NM_001039660.2(IL18BP):c.508-9C>T

Gene: IL18BP (interleukin 18 binding protein; plus strand). Cytogenetic location: 11q13.4.
Variant type: single nucleotide variant.
Coding change: c.508-9C>T on transcript NM_001039660.2 (MANE Select); 9 bases into the intron before coding-DNA position 508, C replaced by T.
Molecular consequence: intron variant. On other transcripts: 3 prime UTR variant (1).
Genome position (GRCh38, 1-based): chr11:72,001,775, C>T. VCF-style: chr11-72001775-C-T. GRCh37 (hg19) VCF-style: chr11-71712821-C-T.
Other names: c.*130C>T (NM_005699.3); c.508-9C>T (NM_001039659.2, NM_173042.2, NM_001145057.1); c.380-9C>T (NM_173044.3); c.236-9C>T (NM_001145055.1).
Identifiers: ClinVar variation 2111113 (VCV002111113.4), dbSNP rs1314057785, ClinGen allele CA2580084839.
Genomic context (GRCh38, chr11:72,001,775, plus strand): 5'-GCCTGGGGCAAAGTGATGAGATGTCCCTCCTTTCCTTGGCCTGATCCTTGTCTGCCTTCA[C>T]TTCCCTAGGCTGGGCTGAGGGCAACCTTGCCCCCCACCCAAGAAGCCCTGCCCTCCAGCC-3'

ClinVar aggregate classification (germline): Uncertain significance (1 of 4 stars; one submission).

Submission:

Labcorp Genetics (formerly Invitae), Labcorp
Classification: Uncertain significance. Last evaluated: 2022-03-13. Review status: criteria provided, single submitter. Criteria: Invitae Variant Classification Sherloc (09022015). Collection method: clinical testing. Allele origin: germline.
Comment: This variant is not present in population databases (gnomAD no frequency). This sequence change falls in intron 4 of the IL18BP gene. It does not directly change the encoded amino acid sequence of the IL18BP protein. This variant has not been reported in the literature in individuals affected with IL18BP-related conditions. In summary, the available evidence is currently insufficient to determine the role of this variant in disease. Therefore, it has been classified as a Variant of Uncertain Significance.